The following is an entry in ClinVar:

ClinVar aggregate classification (germline): Benign. Review status: criteria provided, multiple submitters, no conflicts (2 of 4 stars). 10 submissions from 8 submitters: Benign (8). 2 of the submissions do not count toward it. Last evaluated 2026-02-02.

Conditions:
Greig cephalopolysyndactyly syndrome (GCPS). Also called: GLI3-Related Greig Cephalopolysyndactyly Syndrome; POLYSYNDACTYLY WITH PECULIAR SKULL SHAPE; Greig syndrome. Identifiers: Orphanet 380, MedGen C0265306, MONDO:0008287, OMIM 175700.
Pallister-Hall syndrome (PHS). Also called: HYPOTHALAMIC HAMARTOBLASTOMA, HYPOPITUITARISM, IMPERFORATE ANUS, AND POSTAXIAL POLYDACTYLY; GLI3-Related Pallister-Hall Syndrome. Identifiers: Orphanet 672, MedGen C0265220, MONDO:0007804, OMIM 146510.
Polydactyly. Also called: polydactylism. Identifiers: MedGen C0152427, MONDO:0021003, OMIM 603596, HP:0010442.

Allele frequency attached by ClinVar (database versions not stated): 1000 Genomes Project 30x 0.01811; 1000 Genomes Project 0.01917; TOPMed 0.03350; ESP Exome Variant Server 0.03983.
gnomAD v4.1: 79,978 of 1,613,830 alleles (5%); highest among the groups gnomAD compares: Non-Finnish European, 5.7%; 2,233 homozygotes.

Submissions (10):

Labcorp Genetics (formerly Invitae), Labcorp
Classification: Benign for Pallister-Hall syndrome; Greig cephalopolysyndactyly syndrome. Last evaluated: 2026-02-02. Review status: criteria provided, single submitter. Criteria: Invitae Variant Classification Sherloc (09022015). Collection method: clinical testing. Allele origin: germline.

Blueprint Genetics
Classification: Benign. Last evaluated: 2024-11-27. Review status: criteria provided, single submitter. Criteria: ACMG Guidelines, 2015. Collection method: clinical testing. Allele origin: germline.

Mayo Clinic Laboratories, Mayo Clinic
Classification: Benign. Last evaluated: 2022-03-09. Review status: criteria provided, single submitter. Criteria: ACMG Guidelines, 2015. Collection method: clinical testing. Allele origin: germline. Observed: 4 variant alleles.

Illumina Laboratory Services, Illumina
Classification: Benign for Polydactyly. Last evaluated: 2018-01-13. Review status: criteria provided, single submitter. Criteria: ICSL Variant Classification Criteria 13 December 2019. Collection method: clinical testing. Allele origin: germline.
Comment: This variant was observed in the ICSL laboratory as part of a predisposition screen in an ostensibly healthy population. It had not been previously curated by ICSL or reported in the Human Gene Mutation Database (HGMD: prior to June 1st, 2018), and was therefore a candidate for classification through an automated scoring system. Utilizing variant allele frequency, disease prevalence and penetrance estimates, and inheritance mode, an automated score was calculated to assess if this variant is too frequent to cause the disease. Based on the score and internal cut-off values, a variant classified as benign is not then subjected to further curation. The score for this variant resulted in a classification of benign for this disease.

Illumina Laboratory Services, Illumina
Classification: Benign for Pallister-Hall syndrome. Last evaluated: 2018-01-13. Review status: criteria provided, single submitter. Criteria: ICSL Variant Classification Criteria 13 December 2019. Collection method: clinical testing. Allele origin: germline.
Comment: the same text as in the submission from Illumina Laboratory Services, Illumina above.

Illumina Laboratory Services, Illumina
Classification: Benign for Greig cephalopolysyndactyly syndrome. Last evaluated: 2018-01-13. Review status: criteria provided, single submitter. Criteria: ICSL Variant Classification Criteria 13 December 2019. Collection method: clinical testing. Allele origin: germline.
Comment: the same text as in the submission from Illumina Laboratory Services, Illumina above.

GeneDx
Classification: Benign. Last evaluated: 2015-03-03. Review status: criteria provided, single submitter. Criteria: GeneDx Variant Classification Process June 2021. Collection method: clinical testing. Allele origin: germline. Affected: yes.

PreventionGenetics, part of Exact Sciences
Classification: Benign. Review status: criteria provided, single submitter. Criteria: ACMG Guidelines, 2015. Collection method: clinical testing. Allele origin: germline.

Clinical Genetics DNA and cytogenetics Diagnostics Lab, Erasmus MC, Erasmus Medical Center
Classification: Benign. Review status: no assertion criteria provided. Collection method: clinical testing. Allele origin: germline. Affected: yes. Study: VKGL Data-share Consensus. Not counted in ClinVar's aggregate classification.

Clinical Genetics, Academic Medical Center
Classification: Benign. Review status: no assertion criteria provided. Collection method: clinical testing. Allele origin: germline. Affected: yes. Study: VKGL Data-share Consensus. Not counted in ClinVar's aggregate classification.

NM_000168.6(GLI3):c.4020C>T (p.Pro1340=)

Gene: GLI3 (GLI family zinc finger 3; minus strand). Cytogenetic location: 7p14.1.
Variant type: single nucleotide variant.
Coding change: c.4020C>T on transcript NM_000168.6 (MANE Select); coding-DNA position 4020, C replaced by T.
Protein change: p.Pro1340=; no amino-acid change (proline 1340 retained).
Molecular consequence: synonymous variant.
Genome position (GRCh38, 1-based): chr7:41,965,053, G>A on the plus strand (C>T on the coding strand, the complement: GLI3 is on the minus strand). VCF-style: chr7-41965053-G-A. GRCh37 (hg19) VCF-style: chr7-42004651-G-A.
Other names: p.Pro1340=.
Identifiers: ClinVar variation 255441 (VCV000255441.21), dbSNP rs35139358, ClinGen allele CA4230202.
Genomic context (GRCh38, chr7:41,965,053, plus strand): 5'-TGGCCCTTGGTAGATGTTGATGTGTGAGGTAGCACTAATCTGCCCAAGCATCTGCTGACC[G>A]GGGCGGCCTGCCCCCGGGTGCTGCATGCTGTCGCCGAGGAGCTGGTGAGCCAGGTACCCC-3'
Protein context (NP_000159.3, residues 1330-1350): DSMQHPGAGR[Pro1340=]GQQMLGQISA